The following is an entry in ClinVar:

ClinVar aggregate classification (germline): Pathogenic (1 of 4 stars; one submission).

Submission:

Labcorp Genetics (formerly Invitae), Labcorp
Classification: Pathogenic. Last evaluated: 2026-01-23. Review status: criteria provided, single submitter. Criteria: Invitae Variant Classification Sherloc (09022015). Collection method: clinical testing. Allele origin: germline.
Comment: This sequence change creates a premature translational stop signal (p.Val77Serfs*39) in the HMOX1 gene. It is expected to result in an absent or disrupted protein product. Loss-of-function variants in HMOX1 are known to be pathogenic (PMID: 9884342, 21088618). This variant is not present in population databases (gnomAD no frequency). This variant has not been reported in the literature in individuals affected with HMOX1-related conditions. ClinVar contains an entry for this variant (Variation ID: 3007963). For these reasons, this variant has been classified as Pathogenic.

Literature cited by the submitters: PubMed 9884342; PubMed 21088618.

NM_002133.3(HMOX1):c.228del (p.Val77fs)

Gene: HMOX1 (heme oxygenase 1; plus strand). Cytogenetic location: 22q12.3.
Variant type: Deletion.
Coding change: c.228del on transcript NM_002133.3 (MANE Select); coding-DNA position 228, one base deleted (T; older notation c.228delT).
Protein change: p.Val77fs; shifts the reading frame from valine 77.
Molecular consequence: frameshift variant.
Genome position (GRCh38, 1-based): chr22:35,386,768, T deleted. VCF-style (leftmost placement, unchanged base first): chr22-35386767-CT-C. GRCh37 (hg19) VCF-style: chr22-35782760-CT-C.
Other names: short protein forms V77fs.
Identifiers: ClinVar variation 3007963 (VCV003007963.3), dbSNP rs1931516278, ClinGen allele CA2403375273.